The following is an entry in ClinVar:

ClinVar aggregate classification (germline): Uncertain significance (1 of 4 stars; one submission).

Submission:

Dasa
Classification: Uncertain significance. Last evaluated: 2025-11-12. Review status: criteria provided, single submitter. Criteria: DASA Assertion Criteria. Collection method: clinical testing. Allele origin: germline.
Comment: NM_001350748.2(NALCN):c.2193-9T>C is a splice-region variant. This variant is rare in population databases. The currently available literature and clinical evidence are not sufficient to establish a definitive association between this variant and the reported condition. Therefore, this variant is classified as a variant of uncertain significance.

NM_052867.4(NALCN):c.2193-5789T>C

Gene: NALCN (sodium leak channel, non-selective; minus strand). Cytogenetic location: 13q33.1.
Variant type: single nucleotide variant.
Coding change: c.2193-5789T>C on transcript NM_052867.4 (MANE Select); 5789 bases into the intron before coding-DNA position 2193, T replaced by C.
Molecular consequence: intron variant.
Genome position (GRCh38, 1-based): chr13:101,117,015, A>G on the plus strand (T>C on the coding strand, the complement: NALCN is on the minus strand). VCF-style: chr13-101117015-A-G. GRCh37 (hg19) VCF-style: chr13-101769366-A-G.
Other names: c.2106-5789T>C (NM_001350751.2, NM_001350750.2); c.2193-5789T>C (NM_001350749.2); c.2193-9T>C (NM_001350748.2).
Identifiers: ClinVar variation 4882919 (VCV004882919.2).